The following is an entry in ClinVar:

NM_006947.4(SRP72):c.118A>G (p.Ile40Val)

Gene: SRP72 (signal recognition particle 72; plus strand). Cytogenetic location: 4q12.
Variant type: single nucleotide variant.
Coding change: c.118A>G on transcript NM_006947.4 (MANE Select); coding-DNA position 118, A replaced by G.
Protein change: p.Ile40Val; replaces isoleucine 40 with valine.
Molecular consequence: missense variant. On other transcripts: non-coding transcript variant (1).
Genome position (GRCh38, 1-based): chr4:56,469,661, A>G. VCF-style: chr4-56469661-A-G. GRCh37 (hg19) VCF-style: chr4-57335827-A-G.
Other names: c.118A>G, p.Ile40Val (NM_001267722.2); short protein forms I40V.
Identifiers: ClinVar variation 3449408 (VCV003449408.3).
Genomic context (GRCh38, chr4:56,469,661, plus strand): 5'-ATGTGAAAAGGAAATGGATTTAAAAATGACTTTTCCTAAAATTGTTCTCTAGTACTACAG[A>G]TCAACAAAGATGACGTAACTGCCCTGCATTGTAAAGTGGTATGCCTTATCCAGAATGGAA-3'
Protein context (NP_008878.3, residues 30-50): ALKTVNKILQ[Ile40Val]NKDDVTALHC

ClinVar aggregate classification (germline): Uncertain significance. Review status: criteria provided, multiple submitters, no conflicts (2 of 4 stars). 2 submissions from 2 submitters: Uncertain significance (2). Last evaluated 2025-01-24.

gnomAD v4.1: 3 of 1,604,510 alleles (0.00019%); highest among the groups gnomAD compares: Non-Finnish European, 0.00026%; no homozygotes.

Submissions (2):

Labcorp Genetics (formerly Invitae), Labcorp
Classification: Uncertain significance. Last evaluated: 2025-01-24. Review status: criteria provided, single submitter. Criteria: Invitae Variant Classification Sherloc (09022015). Collection method: clinical testing. Allele origin: germline.
Comment: This sequence change replaces isoleucine, which is neutral and non-polar, with valine, which is neutral and non-polar, at codon 40 of the SRP72 protein (p.Ile40Val). This variant is not present in population databases (gnomAD no frequency). This variant has not been reported in the literature in individuals affected with SRP72-related conditions. ClinVar contains an entry for this variant (Variation ID: 3449408). Invitae Evidence Modeling of protein sequence and biophysical properties (such as structural, functional, and spatial information, amino acid conservation, physicochemical variation, residue mobility, and thermodynamic stability) indicates that this missense variant is not expected to disrupt SRP72 protein function with a negative predictive value of 80%. In summary, the available evidence is currently insufficient to determine the role of this variant in disease. Therefore, it has been classified as a Variant of Uncertain Significance.

Ambry Genetics
Classification: Uncertain significance. Last evaluated: 2024-11-24. Review status: criteria provided, single submitter. Criteria: Ambry Variant Classification Scheme 2023. Collection method: clinical testing. Allele origin: germline.
Comment: The p.I40V variant (also known as c.118A>G), located in coding exon 2 of the SRP72 gene, results from an A to G substitution at nucleotide position 118. The isoleucine at codon 40 is replaced by valine, an amino acid with highly similar properties. This amino acid position is conserved. In addition, this alteration is predicted to be tolerated by in silico analysis. Based on the available evidence, the clinical significance of this variant remains unclear.